The following is an entry in ClinVar:

ClinVar aggregate classification (germline): Uncertain significance (1 of 4 stars; one submission).

Conditions:
Cystic fibrosis (CF). Also called: MUCOVISCIDOSIS. Identifiers: Orphanet 586, MedGen C0010674, MONDO:0009061, OMIM 219700. Disease mechanism: loss of function.

Submission:

Ambry Genetics
Classification: Uncertain significance for Cystic fibrosis. Last evaluated: 2026-07-11. Review status: criteria provided, single submitter. Criteria: Ambry Variant Classification Scheme 2023. Collection method: clinical testing. Allele origin: germline.
Comment: The p.K643N variant (also known as c.1929A>C), located in coding exon 14 of the CFTR gene, results from an A to C substitution at nucleotide position 1929. The lysine at codon 643 is replaced by asparagine, an amino acid with similar properties. This amino acid position is conserved. In addition, the in silico prediction for this alteration is inconclusive. Based on the available evidence, the clinical significance of this variant remains unclear.

NM_000492.4(CFTR):c.1929A>C (p.Lys643Asn)

Gene: CFTR (CF transmembrane conductance regulator; plus strand). Cytogenetic location: 7q31.2.
Variant type: single nucleotide variant.
Coding change: c.1929A>C on transcript NM_000492.4 (MANE Select); coding-DNA position 1929, A replaced by C.
Protein change: p.Lys643Asn; replaces lysine 643 with asparagine.
Molecular consequence: missense variant.
Genome position (GRCh38, 1-based): chr7:117,592,096, A>C. VCF-style: chr7-117592096-A-C. GRCh37 (hg19) VCF-style: chr7-117232150-A-C.
Other names: short protein forms K643N.
Identifiers: ClinVar variation 5034435 (VCV005034435.1).